The following is an entry in ClinVar:

ClinVar aggregate classification (germline): Uncertain significance (1 of 4 stars; one submission).

Conditions:
SHORT syndrome. Also called: SHORT STATURE, HYPEREXTENSIBILITY, HERNIA, OCULAR DEPRESSION, RIEGER ANOMALY, AND TEETHING DELAY; PIK3R1-Related SHORT Syndrome; LIPODYSTROPHY, PARTIAL, WITH RIEGER ANOMALY AND SHORT STATURE. Identifiers: Orphanet 3163, MedGen C0878684, MONDO:0010026, OMIM 269880.
Agammaglobulinemia 7, autosomal recessive (AGM7). Also called: AGAMMAGLOBULINEMIA, AUTOSOMAL RECESSIVE, DUE TO PIK3R1 DEFECT. Identifiers: MedGen C3554689, MONDO:0014083, OMIM 615214.
Immunodeficiency 36 with lymphoproliferation. Also called: ACTIVATED PI3K-DELTA SYNDROME 2; Immunodeficiency 36; Activated PI3K Delta Syndrome Type 2 (APDS2). Identifiers: Orphanet 397596, Orphanet 693681, MedGen C4014934, MONDO:0014453, OMIM 616005.

gnomAD v4.1: 1 of 1,607,874 alleles (0.000062%); highest among the groups gnomAD compares: Non-Finnish European, 0.000085%; no homozygotes.

Submission:

Labcorp Genetics (formerly Invitae), Labcorp
Classification: Uncertain significance for SHORT syndrome; Immunodeficiency 36 with lymphoproliferation; Agammaglobulinemia 7, autosomal recessive. Last evaluated: 2022-12-02. Review status: criteria provided, single submitter. Criteria: Invitae Variant Classification Sherloc (09022015). Collection method: clinical testing. Allele origin: germline.
Comment: In summary, the available evidence is currently insufficient to determine the role of this variant in disease. Therefore, it has been classified as a Variant of Uncertain Significance. Advanced modeling of protein sequence and biophysical properties (such as structural, functional, and spatial information, amino acid conservation, physicochemical variation, residue mobility, and thermodynamic stability) performed at Invitae indicates that this missense variant is not expected to disrupt PIK3R1 protein function. This variant has not been reported in the literature in individuals affected with PIK3R1-related conditions. This variant is not present in population databases (gnomAD no frequency). This sequence change replaces arginine, which is basic and polar, with proline, which is neutral and non-polar, at codon 514 of the PIK3R1 protein (p.Arg514Pro).

NM_181523.3(PIK3R1):c.1541G>C (p.Arg514Pro)

Gene: PIK3R1 (phosphoinositide-3-kinase regulatory subunit 1; plus strand). Cytogenetic location: 5q13.1.
Variant type: single nucleotide variant.
Coding change: c.1541G>C on transcript NM_181523.3 (MANE Select); coding-DNA position 1541, G replaced by C.
Protein change: p.Arg514Pro; replaces arginine 514 with proline.
Molecular consequence: missense variant.
Genome position (GRCh38, 1-based): chr5:68,294,651, G>C. VCF-style: chr5-68294651-G-C. GRCh37 (hg19) VCF-style: chr5-67590479-G-C.
Other names: c.452G>C, p.Arg151Pro (NM_001242466.2); c.731G>C, p.Arg244Pro (NM_181504.4); c.641G>C, p.Arg214Pro (NM_181524.2); short protein forms R151P, R214P, R514P, R244P.
Identifiers: ClinVar variation 2091861 (VCV002091861.4), dbSNP rs2112270035, ClinGen allele CA359882078.